The following is an entry in ClinVar:

ClinVar aggregate classification (germline): Pathogenic (1 of 4 stars; one submission).

Submission:

CeGaT Center for Human Genetics Tuebingen
Classification: Pathogenic. Last evaluated: 2026-03-01. Review status: criteria provided, single submitter. Criteria: CeGaT Center For Human Genetics Tuebingen Variant Classification Criteria Version 2. Collection method: clinical testing. Allele origin: germline. Affected: yes. Observed: 1 variant allele.
Comment: COL1A2: PVS1, PM2

NM_000089.4(COL1A2):c.980_984dup (p.Ile329fs)

Gene: COL1A2 (collagen type I alpha 2 chain; plus strand). Cytogenetic location: 7q21.3.
Variant type: Duplication.
Coding change: c.980_984dup on transcript NM_000089.4 (MANE Select); coding-DNA positions 980 to 984, 5 bases duplicated (GCGGT; older notation c.980_984dupGCGGT).
Protein change: p.Ile329fs; shifts the reading frame from isoleucine 329.
Molecular consequence: frameshift variant.
Genome position (GRCh38, 1-based): chr7:94,409,766-94,409,770, GCGGT duplicated. VCF-style (leftmost placement, unchanged base first): chr7-94409765-C-CGCGGT. GRCh37 (hg19) VCF-style: chr7-94039077-C-CGCGGT.
Other names: short protein forms I329fs.
Identifiers: ClinVar variation 4823760 (VCV004823760.4).
Genomic context (GRCh38, chr7:94,409,765, plus strand): 5'-CTGCATTTTCCTTCACAGGGCCTTCCCGGCGTTGCTGGGGCTCCCGGCCTCCCTGGACCC[C>CGCGGT]GCGGTATTCCTGGCCCTGTTGGTGCTGCCGGTGCTACTGGTGCCAGAGGACTTGTTGTAA-3'